The following is an entry in ClinVar:

NM_000053.4(ATP7B):c.2827G>A (p.Gly943Ser)

Gene: ATP7B (ATPase copper transporting beta; minus strand). Cytogenetic location: 13q14.3.
Variant type: single nucleotide variant.
Coding change: c.2827G>A on transcript NM_000053.4 (MANE Select); coding-DNA position 2827, G replaced by A.
Protein change: p.Gly943Ser; replaces glycine 943 with serine.
Molecular consequence: missense variant. On other transcripts: intron variant (1).
Genome position (GRCh38, 1-based): chr13:51,949,700, C>T on the plus strand (G>A on the coding strand, the complement: ATP7B is on the minus strand). VCF-style: chr13-51949700-C-T. GRCh37 (hg19) VCF-style: chr13-52523836-C-T.
Other names: c.2494G>A, p.Gly832Ser (NM_001243182.2); c.2593G>A, p.Gly865Ser (NM_001330578.2); c.2575G>A, p.Gly859Ser (NM_001330579.2); c.2244+307G>A (NM_001005918.3); short protein forms G943S, G859S, G865S, G832S.
Identifiers: ClinVar variation 3856 (VCV000003856.71), dbSNP rs28942076, ClinGen allele CA252894.
Genomic context (GRCh38, chr13:51,949,700, plus strand): 5'-TAGCCCAAGGCATTCAACTTACAGGAAAGTATCTCTGAACAACACCAAAATCGATAAAAC[C>T]GATTACAATCCATACCACCAACGTCAAAGTTGACATGATGATGATAAATGGGACAAAATA-3'
Protein context (NP_000044.2, residues 933-953): TLTLVVWIVI[Gly943Ser]FIDFGVVQRY

ClinVar aggregate classification (germline): Pathogenic. Review status: criteria provided, multiple submitters, no conflicts (2 of 4 stars). 16 submissions from 16 submitters: Pathogenic (14). 2 of the submissions do not count toward it. Last evaluated 2026-01-30.

Conditions:
Wilson disease (WND). Also called: Wilson's disease. Identifiers: Orphanet 905, MedGen C0019202, MONDO:0010200, OMIM 277900. Disease mechanism: loss of function.

Allele frequency attached by ClinVar (database versions not stated): gnomAD 0.00001; gnomAD exomes 0.00001; TOPMed 0.00001; ExAC 0.00002.
gnomAD v4.1: 6 of 1,614,012 alleles (0.00037%); highest among the groups gnomAD compares: Non-Finnish European, 0.00042%; no homozygotes.

Submissions 1 to 12 of 16:

Natera, Inc.
Classification: Pathogenic for Wilson disease. Last evaluated: 2026-01-30. Review status: criteria provided, single submitter. Criteria: Natera Variant Classification Schema (03/2026). Collection method: clinical testing. Allele origin: germline.
Comment: The c.2827G>A variant in ATP7B is a missense variant predicted to cause substitution of glycine to serine at amino acid 943. This variant is rare in the general population with a frequency below the threshold expected for the associated phenotype(s). This variant has been observed in one or more individuals affected with the associated recessive disease, as either homozygous or compound heterozygous with a second variant (PMID: 27022412, 35220961). Computational prediction algorithms indicate this variant is likely to affect gene or protein function. Given the available evidence, this variant is classified as Pathogenic.

Dasa
Classification: Pathogenic. Last evaluated: 2025-12-02. Review status: criteria provided, single submitter. Criteria: DASA Assertion Criteria. Collection method: clinical testing. Allele origin: germline.
Comment: NM_000053.4(ATP7B):c.2827G>A (p.Gly943Ser) is a missense variant that results in the substitution of glycine with serine. This variant has been recurrently observed in individuals with related phenotype (PMID: 7626145; PMID: 8533760; PMID: 11243728; PMID: 15952988; PMID: 16603785). Multiple computational predictions support a deleterious effect on the gene or gene product. The variant is present at low frequency in population datasets. Based on the available data, this variant is classified as pathogenic.

Labcorp Genetics (formerly Invitae), Labcorp
Classification: Pathogenic for Wilson disease. Last evaluated: 2025-07-19. Review status: criteria provided, single submitter. Criteria: Invitae Variant Classification Sherloc (09022015). Collection method: clinical testing. Allele origin: germline.
Comment: This sequence change replaces glycine, which is neutral and non-polar, with serine, which is neutral and polar, at codon 943 of the ATP7B protein (p.Gly943Ser). This variant is present in population databases (rs28942076, gnomAD 0.007%). This missense change has been observed in individuals with Wilson disease (PMID: 7626145, 11243728, 27022412). ClinVar contains an entry for this variant (Variation ID: 3856). Invitae Evidence Modeling of protein sequence and biophysical properties (such as structural, functional, and spatial information, amino acid conservation, physicochemical variation, residue mobility, and thermodynamic stability) indicates that this missense variant is expected to disrupt ATP7B protein function with a positive predictive value of 80%. Experimental studies have shown that this missense change affects ATP7B function (PMID: 10942420). This variant disrupts the p.Gly943 amino acid residue in ATP7B. Other variant(s) that disrupt this residue have been determined to be pathogenic (PMID: 16088907, 16603785, 27930511, 28212618). This suggests that this residue is clinically significant, and that variants that disrupt this residue are likely to be disease-causing. For these reasons, this variant has been classified as Pathogenic.

All of Us Research Program, National Institutes of Health
Classification: Pathogenic for Wilson disease. Last evaluated: 2024-08-13. Review status: criteria provided, single submitter. Criteria: ACMG Guidelines, 2015. Collection method: clinical testing. Allele origin: germline. Inheritance: Autosomal recessive inheritance. Observed: 3 variant alleles, 3 heterozygotes.
Comment: This missense variant replaces glycine with serine at codon 943 of the ATP7B protein. Computational prediction suggests that this variant may have deleterious impact on protein structure and function. This variant alters a conserved glycine residue in a transmembrane domain of the ATP7B protein (a.a. 918 - 946), a highly conserved region that is considered to be important for ATP7B protein function (PMID: 35245129; ClinVar). This variant did not impact function in a yeast complementation assay (PMID: 9837819), however, functional studies conducted in CHO cells showed an effect on sub-cellular localization with normal golgi network localization, moderate endoplasmic reticulum mislocalization, and disrupted copper-dependent redistribution (PMID: 10942420). This variant has been reported in many individuals affected with Wilson disease (PMID: 7626145, 8533760, 11243728, 15952988, 16603785, 17587212, 18728530, 21645214, 23333878, 27022412, 30232804, 30884209), including a family where the variant segregated with disease (PMID: 16603785). In several individuals, this variant was confirmed to be in the compound heterozygous state or homozygous state (PMID: 7626145, 11243728, 16603785, 27022412). This variant has been identified in 2/249320 chromosomes in the general population by the Genome Aggregation Database (gnomAD). Based on the available evidence, this variant is classified as Pathogenic.

This study involves interpretation of variants in research participants for the purpose of population health screening. Participant phenotype was not available at the time of variant classification. Additional details can be found in publication PMID: 35346344, PMCID: PMC8962531

CeGaT Center for Human Genetics Tuebingen
Classification: Pathogenic. Last evaluated: 2024-08-01. Review status: criteria provided, single submitter. Criteria: CeGaT Center For Human Genetics Tuebingen Variant Classification Criteria Version 2. Collection method: clinical testing. Allele origin: germline. Affected: yes. Observed: 4 variant alleles.
Comment: ATP7B: PM3:Very Strong, PM2, PM5, PP4, PS3:Supporting

Fulgent Genetics
Classification: Pathogenic for Wilson disease. Last evaluated: 2024-06-05. Review status: criteria provided, single submitter. Criteria: ACMG Guidelines, 2015. Collection method: clinical testing. Allele origin: germline.

Color Diagnostics, LLC DBA Color Health
Classification: Pathogenic for Wilson disease. Last evaluated: 2024-04-23. Review status: criteria provided, single submitter. Criteria: ACMG Guidelines, 2015. Collection method: clinical testing. Allele origin: germline.
Comment: This missense variant replaces glycine with serine at codon 943 of the ATP7B protein. Computational prediction suggests that this variant may have deleterious impact on protein structure and function. This variant alters a conserved glycine residue in a transmembrane domain of the ATP7B protein (a.a. 918 - 946), a highly conserved region that is considered to be important for ATP7B protein function (PMID: 35245129ClinVar). This variant did not impact function in a yeast complementation assay (PMID: 9837819), however, functional studies conducted in CHO cells showed an effect on sub-cellular localization with normal golgi network localization, moderate endoplasmic reticulum mislocalization, and disrupted copper-dependent redistribution (PMID: 10942420). This variant has been reported in many individuals affected with Wilson disease (PMID: 7626145, 8533760, 11243728, 15952988, 16603785, 17587212, 18728530, 21645214, 23333878, 27022412, 30232804, 30884209), including a family where the variant segregated with disease (PMID: 16603785). In several individuals, this variant was confirmed to be in the compound heterozygous state or homozygous state (PMID: 7626145, 11243728, 16603785, 27022412). This variant has been identified in 2/249320 chromosomes in the general population by the Genome Aggregation Database (gnomAD). Based on the available evidence, this variant is classified as Pathogenic.

Laboratory of Medical Genetics, National & Kapodistrian University of Athens
Classification: Pathogenic for Wilson disease. Last evaluated: 2024-02-01. Review status: criteria provided, single submitter. Criteria: ACMG Guidelines, 2015. Collection method: curation. Allele origin: germline. Affected: no.

Baylor Genetics
Classification: Pathogenic for Wilson disease. Last evaluated: 2023-11-14. Review status: criteria provided, single submitter. Criteria: ACMG Guidelines, 2015. Collection method: clinical testing. Allele origin: unknown.

Genome-Nilou Lab
Classification: Pathogenic for Wilson disease. Last evaluated: 2021-08-10. Review status: criteria provided, single submitter. Criteria: ACMG Guidelines, 2015. Collection method: clinical testing. Allele origin: germline. Affected: no.

Laboratory for Molecular Medicine, Mass General Brigham Personalized Medicine
Classification: Pathogenic for Wilson disease. Last evaluated: 2020-06-11. Review status: criteria provided, single submitter. Criteria: ACMG Guidelines, 2015. Collection method: clinical testing. Allele origin: germline.
Comment: The p.Gly943Ser variant in ATP7B has been identified in multiple indivduals with Wilson diease, including at least 3 homozygotes or compound heterozygotes, and segregated with disease in 1 affected relative (Figus 1995, Thomas 1995, Butler 2001, Margarit 2005, Park 2007, Zhang 2016). It has also been identified in 0.006% (1/15464) of African chromosomes in gnomAD and reported in ClinVar (Variation ID 3856). In vivo functional studies in yeast support an impact on protein function (Forbes 2000). An additional pathogenic variant involving this codon (p.Gly943Asp) has also been identified in individuals with Wilson disease. In summary, this variant meets criteria to be classified as pathogenic for autosomal recessive Wilson disease. ACMG/AMP Criteria applied: PM3_Strong, PM2, PM5, PP1, PP4, PS3_Supporting.

Mayo Clinic Laboratories, Mayo Clinic
Classification: Pathogenic. Last evaluated: 2020-01-30. Review status: criteria provided, single submitter. Criteria: ACMG Guidelines, 2015. Collection method: clinical testing. Allele origin: germline. Observed: 1 variant allele.
Comment: PS3, PS4_moderate, PM2, PP1, PP4